The following is an entry in ClinVar:

NM_017636.4(TRPM4):c.708_711delinsA (p.Asp236_Asp237delinsGlu)

Gene: TRPM4 (transient receptor potential cation channel subfamily M member 4; plus strand). Cytogenetic location: 19q13.33.
Variant type: Indel.
Coding change: c.708_711delinsA on transcript NM_017636.4 (MANE Select); coding-DNA positions 708 to 711, CGAC replaced by A.
Protein change: p.Asp236_Asp237delinsGlu.
Molecular consequence: inframe indel. On other transcripts: 5 prime UTR variant (2).
Genome position (GRCh38, 1-based): chr19:49,168,648-49,168,651, CGAC replaced by A. VCF-style: chr19-49168648-CGAC-A. GRCh37 (hg19) VCF-style: chr19-49671905-CGAC-A.
Other names: c.708_711delinsA, p.Asp236_Asp237delinsGlu (NM_001195227.2); c.363_366delinsA, p.Asp121_Asp122delinsGlu (NM_001321281.2); c.-846_-843delinsA (NM_001321282.2); c.186_189delinsA, p.Asp62_Asp63delinsGlu (NM_001321283.2); c.-142_-139delinsA (NM_001321285.2).
Identifiers: ClinVar variation 450903 (VCV000450903.2), dbSNP rs1555752039, ClinGen allele CA658658827.

ClinVar aggregate classification (germline): Uncertain significance (1 of 4 stars; one submission).

Submission:

GeneDx
Classification: Uncertain significance. Last evaluated: 2017-07-21. Review status: criteria provided, single submitter. Criteria: GeneDx Variant Classification (06012015). Collection method: clinical testing. Allele origin: germline. Affected: yes.
Comment: The c.708_711delCGACinsA variant in the TRPM4 gene has not been reported previously as a pathogenic variant, nor as a benign variant, to our knowledge. This variant results in an in-frame deletion of Aspartic Acid 236 and Aspartic Acid 237 and insertion of Glutamic Acid, denoted p.Asp236_Asp237delinsGlu. The c.708_711delCGACinsA variant is not observed in large population cohorts (Lek et al., 2016; 1000 Genomes Consortium et al., 2015; Exome Variant Server). The residues removed by this event are conserved across species. We interpret c.708_711delCGACinsA as a variant of uncertain significance.